The following is an entry in ClinVar:

ClinVar aggregate classification (germline): Uncertain significance (1 of 4 stars; one submission).

Submission:

Labcorp Genetics (formerly Invitae), Labcorp
Classification: Uncertain significance. Last evaluated: 2021-01-22. Review status: criteria provided, single submitter. Criteria: Invitae Variant Classification Sherloc (09022015). Collection method: clinical testing. Allele origin: germline.
Comment: This sequence change replaces isoleucine with leucine at codon 188 of the SLC46A1 protein (p.Ile188Leu). The isoleucine residue is weakly conserved and there is a small physicochemical difference between isoleucine and leucine. In summary, the available evidence is currently insufficient to determine the role of this variant in disease. Therefore, it has been classified as a Variant of Uncertain Significance. Experimental studies and prediction algorithms are not available or were not evaluated, and the functional significance of this variant is currently unknown. This variant has not been reported in the literature in individuals with SLC46A1-related conditions. This variant is not present in population databases (ExAC no frequency).

NM_080669.6(SLC46A1):c.562A>C (p.Ile188Leu)

Gene: SLC46A1 (solute carrier family 46 member 1; minus strand). Cytogenetic location: 17q11.2.
Variant type: single nucleotide variant.
Coding change: c.562A>C on transcript NM_080669.6 (MANE Select); coding-DNA position 562, A replaced by C.
Protein change: p.Ile188Leu; replaces isoleucine 188 with leucine.
Molecular consequence: missense variant.
Genome position (GRCh38, 1-based): chr17:28,405,135, T>G on the plus strand (A>C on the coding strand, the complement: SLC46A1 is on the minus strand). VCF-style: chr17-28405135-T-G. GRCh37 (hg19) VCF-style: chr17-26732153-T-G.
Other names: c.562A>C, p.Ile188Leu (NM_001242366.3); short protein forms I188L.
Identifiers: ClinVar variation 1499642 (VCV001499642.6), dbSNP rs2068241962, ClinGen allele CA398350744.